The following is an entry in ClinVar:

NM_005629.4(SLC6A8):c.25G>T (p.Gly9Cys)

Gene: SLC6A8 (solute carrier family 6 member 8; plus strand). Cytogenetic location: Xq28.
Variant type: single nucleotide variant.
Coding change: c.25G>T on transcript NM_005629.4 (MANE Select); coding-DNA position 25, G replaced by T.
Protein change: p.Gly9Cys; replaces glycine 9 with cysteine.
Molecular consequence: missense variant.
Genome position (GRCh38, 1-based): chrX:153,688,599, G>T. VCF-style: chrX-153688599-G-T. GRCh37 (hg19) VCF-style: chrX-152954054-G-T.
Other names: c.25G>T, p.Gly9Cys (NM_001142805.2); short protein forms G9C.
Identifiers: ClinVar variation 934136 (VCV000934136.9), dbSNP rs2091436097, ClinGen allele CA415075918.

ClinVar aggregate classification (germline): Uncertain significance (1 of 4 stars; one submission).

Conditions:
Creatine transporter deficiency (CCDS1). Also called: Creatine Transporter (CRTR) Deficiency; Mental retardation , X-linked with seizures, short stature and midface hypoplasia; Mental retardation , X-linked, with creatine transport deficiency; X-linked creatine transporter deficiency; X-linked creatine deficiency syndrome; SLC6A8-Related Creatine Transporter Deficiency. Identifiers: Orphanet 52503, MedGen C1845862, MONDO:0010305, OMIM 300352.

gnomAD v4.1: 1 of 1,059,337 alleles (0.000094%); highest among the groups gnomAD compares: Non-Finnish European, 0.00012%; no homozygotes.

Submission:

Labcorp Genetics (formerly Invitae), Labcorp
Classification: Uncertain significance for Creatine transporter deficiency. Last evaluated: 2022-06-04. Review status: criteria provided, single submitter. Criteria: Invitae Variant Classification Sherloc (09022015). Collection method: clinical testing. Allele origin: germline.
Comment: In summary, the available evidence is currently insufficient to determine the role of this variant in disease. Therefore, it has been classified as a Variant of Uncertain Significance. Advanced modeling of protein sequence and biophysical properties (such as structural, functional, and spatial information, amino acid conservation, physicochemical variation, residue mobility, and thermodynamic stability) performed at Invitae indicates that this missense variant is not expected to disrupt SLC6A8 protein function. ClinVar contains an entry for this variant (Variation ID: 934136). This variant has not been reported in the literature in individuals affected with SLC6A8-related conditions. This variant is not present in population databases (gnomAD no frequency). This sequence change replaces glycine, which is neutral and non-polar, with cysteine, which is neutral and slightly polar, at codon 9 of the SLC6A8 protein (p.Gly9Cys).